The following is an entry in ClinVar:

NM_203290.4(POLR1C):c.572G>A (p.Arg191Gln)

Gene: POLR1C (RNA polymerase I and III subunit C; plus strand). Cytogenetic location: 6p21.1.
Variant type: single nucleotide variant.
Coding change: c.572G>A on transcript NM_203290.4 (MANE Select); coding-DNA position 572, G replaced by A.
Protein change: p.Arg191Gln; replaces arginine 191 with glutamine.
Molecular consequence: missense variant.
Genome position (GRCh38, 1-based): chr6:43,520,344, G>A. VCF-style: chr6-43520344-G-A. GRCh37 (hg19) VCF-style: chr6-43488082-G-A.
Other names: c.572G>A, p.Arg191Gln (NM_001363658.2, NM_001318876.2); short protein forms R191Q.
Identifiers: ClinVar variation 285658 (VCV000285658.13), dbSNP rs373046018, ClinGen allele CA3825493.

ClinVar aggregate classification (germline): Conflicting classifications of pathogenicity. Review status: criteria provided, conflicting classifications (1 of 4 stars). 5 submissions from 5 submitters: Pathogenic (1); Uncertain significance (3). 1 of the submissions does not count toward it. Last evaluated 2025-11-08.

Conditions:
POLR1C-related disorder. Also called: POLR1C-related condition; POLR1C-related disorders. Identifiers: MedGen CN239394, MONDO:0700278.
Leukodystrophy, hypomyelinating, 11. Identifiers: Orphanet 88637, MedGen C4225305, MONDO:0014666, OMIM 616494.

Allele frequency attached by ClinVar (database versions not stated): gnomAD exomes 0.00006 and 0.00015; ExAC 0.00007; gnomAD 0.00008 and 0.00009; TOPMed 0.00008; ESP Exome Variant Server 0.00023.
gnomAD v4.1: 227 of 1,613,404 alleles (0.014%); highest among the groups gnomAD compares: Non-Finnish European, 0.017%; no homozygotes.

Submissions (5):

Mayo Clinic Laboratories, Mayo Clinic
Classification: Uncertain significance. Last evaluated: 2025-11-08. Review status: criteria provided, single submitter. Criteria: ACMG Guidelines, 2015. Collection method: clinical testing. Allele origin: germline. Observed: 1 variant allele.
Comment: PM2_supporting

PreventionGenetics, part of Exact Sciences
Classification: Uncertain significance for POLR1C-related condition. Last evaluated: 2025-09-12. Review status: criteria provided, single submitter. Criteria: ACMG Guidelines, 2015. Collection method: clinical testing. Allele origin: germline.
Comment: The POLR1C c.572G>A variant is predicted to result in the amino acid substitution p.Arg191Gln. This variant was reported along with second POLR1C variant in an individual with leukodystrophy (Table 1, Thiffault et al. 2015. PubMed ID: 26151409). This variant is reported in 0.013% of alleles in individuals of South Asian descent in gnomAD. Although we suspect that this variant may be pathogenic, at this time, the clinical significance of this variant is uncertain due to the absence of conclusive functional and genetic evidence.

Eurofins Ntd Llc (ga)
Classification: Uncertain significance. Last evaluated: 2016-01-22. Review status: criteria provided, single submitter. Criteria: EGL Classification Definitions 2015. Collection method: clinical testing. Allele origin: germline. Observed: 1 variant allele, 1 heterozygote.

MyeliNeuroGene Lab, McGill University Health Center Research Institute
Classification: Pathogenic for Leukodystrophy, hypomyelinating, 11. Review status: criteria provided, single submitter. Criteria: ACMG Guidelines, 2015. Collection method: research. Allele origin: inherited. Inheritance: Autosomal recessive inheritance. Affected: no.

GeneReviews
No classification provided. Condition: Leukodystrophy, hypomyelinating, 11. Review status: no classification provided. Collection method: literature only. Allele origin: germline. Not counted in ClinVar's aggregate classification.

Literature cited by the submitters: PubMed 26151409 (cited by Mayo Clinic Laboratories, Mayo Clinic and GeneReviews); PubMed 31368241 (cited by Mayo Clinic Laboratories, Mayo Clinic); PubMed 610060 (cited by MyeliNeuroGene Lab, McGill University Health Center Research Institute); PubMed 22855961 (cited by GeneReviews).